The following is an entry in ClinVar:

ClinVar aggregate classification (germline): Uncertain significance (1 of 4 stars; one submission).

Conditions:
Zellweger spectrum disorders (ZS). Also called: Zellweger Spectrum Disorder (ZSD); Zellweger syndrome; Zellweger Spectrum Disorder; Zellweger Spectrum. Identifiers: Orphanet 912, MedGen C0043459, MONDO:0019609.

Allele frequency attached by ClinVar (database versions not stated): TOPMed below 0.00001.

Submission:

Labcorp Genetics (formerly Invitae), Labcorp
Classification: Uncertain significance for Zellweger spectrum disorders. Last evaluated: 2022-04-11. Review status: criteria provided, single submitter. Criteria: Invitae Variant Classification Sherloc (09022015). Collection method: clinical testing. Allele origin: germline.
Comment: This sequence change replaces serine, which is neutral and polar, with threonine, which is neutral and polar, at codon 1114 of the PEX1 protein (p.Ser1114Thr). This variant is not present in population databases (gnomAD no frequency). This variant has not been reported in the literature in individuals affected with PEX1-related conditions. Advanced modeling of protein sequence and biophysical properties (such as structural, functional, and spatial information, amino acid conservation, physicochemical variation, residue mobility, and thermodynamic stability) performed at Invitae indicates that this missense variant is not expected to disrupt PEX1 protein function. In summary, the available evidence is currently insufficient to determine the role of this variant in disease. Therefore, it has been classified as a Variant of Uncertain Significance.

NM_000466.3(PEX1):c.3340T>A (p.Ser1114Thr)

Genes: GATAD1 (GATA zinc finger domain containing 1; plus strand), PEX1 (peroxisomal biogenesis factor 1; minus strand). Cytogenetic location: 7q21.2.
Variant type: single nucleotide variant.
Coding change: c.3340T>A on transcript NM_000466.3 (MANE Select); coding-DNA position 3340, T replaced by A.
Protein change: p.Ser1114Thr; replaces serine 1114 with threonine.
Molecular consequence: missense variant.
Genome position (GRCh38, 1-based): chr7:92,491,370, A>T on the plus strand (T>A on the coding strand, the complement: PEX1 is on the minus strand). VCF-style: chr7-92491370-A-T. GRCh37 (hg19) VCF-style: chr7-92120684-A-T.
Other names: c.3169T>A, p.Ser1057Thr (NM_001282677.2); c.2716T>A, p.Ser906Thr (NM_001282678.2); short protein forms S1114T, S1057T, S906T.
Identifiers: ClinVar variation 1952553 (VCV001952553.2), dbSNP rs1791304522, ClinGen allele CA368163924.
Genomic context (GRCh38, chr7:92,491,370, plus strand): 5'-AAGAGCTTCCAAAGTAGAGCCGGTACATATTGAATTTTGATTCATCTGGAAGGATCTCGG[A>T]CATCTCTAAAGAAACAAGGGACTGATCTAAGCCACATTCTCCATCTCCAGCTGAATCGTC-3'
Protein context (NP_000457.1, residues 1104-1124): LDQSLVSLEM[Ser1114Thr]EILPDESKFN